The following is an entry in ClinVar:

ClinVar aggregate classification (germline): Uncertain significance. Review status: criteria provided, multiple submitters, no conflicts (2 of 4 stars). 2 submissions from 2 submitters: Uncertain significance (2). Last evaluated 2025-01-23.

gnomAD v4.1: 39 of 1,613,650 alleles (0.0024%); highest among the groups gnomAD compares: Non-Finnish European, 0.000085%; no homozygotes.

Submissions (2):

Mayo Clinic Laboratories, Mayo Clinic
Classification: Uncertain significance. Last evaluated: 2025-01-23. Review status: criteria provided, single submitter. Criteria: ACMG Guidelines, 2015. Collection method: clinical testing. Allele origin: germline. Observed: 1 variant allele.
Comment: BP4, PM1_supporting

Blueprint Genetics
Classification: Uncertain significance. Last evaluated: 2021-11-15. Review status: criteria provided, single submitter. Criteria: ACMG Guidelines, 2015. Collection method: clinical testing. Allele origin: germline.

NM_000173.7(GP1BA):c.838T>C (p.Cys280Arg)

Gene: GP1BA (glycoprotein Ib platelet subunit alpha; plus strand). Cytogenetic location: 17p13.2.
Variant type: single nucleotide variant.
Coding change: c.838T>C on transcript NM_000173.7 (MANE Select); coding-DNA position 838, T replaced by C.
Protein change: p.Cys280Arg; replaces cysteine 280 with arginine.
Molecular consequence: missense variant.
Genome position (GRCh38, 1-based): chr17:4,933,442, T>C. VCF-style: chr17-4933442-T-C. GRCh37 (hg19) VCF-style: chr17-4836737-T-C.
Other names: p.Cys280Arg; short protein forms C280R.
Identifiers: ClinVar variation 4542114 (VCV004542114.2).